The following is an entry in ClinVar:

ClinVar aggregate classification (germline): Uncertain significance. Review status: criteria provided, multiple submitters, no conflicts (2 of 4 stars). 3 submissions from 3 submitters: Uncertain significance (2). 1 of the submissions does not count toward it. Last evaluated 2025-08-09.

Conditions:
COL4A2-related disorder. Also called: COL4A2-related disorders; COL4A2-related condition.
Inborn genetic diseases. Identifiers: MedGen C0950123, MeSH D030342.

Allele frequency attached by ClinVar (database versions not stated): ExAC 0.00002; TOPMed 0.00005; ESP Exome Variant Server 0.00008; gnomAD 0.00008; 1000 Genomes Project 0.00020; 1000 Genomes Project 30x 0.00078.
gnomAD v4.1: 35 of 1,614,076 alleles (0.0022%); highest among the groups gnomAD compares: African/African-American, 0.019%; no homozygotes.

Submissions (3):

Ambry Genetics
Classification: Uncertain significance for Inborn genetic diseases. Last evaluated: 2025-08-09. Review status: criteria provided, single submitter. Criteria: Ambry Variant Classification Scheme 2023. Collection method: clinical testing. Allele origin: germline.

Labcorp Genetics (formerly Invitae), Labcorp
Classification: Uncertain significance. Last evaluated: 2025-06-03. Review status: criteria provided, single submitter. Criteria: Invitae Variant Classification Sherloc (09022015). Collection method: clinical testing. Allele origin: germline.
Comment: This sequence change replaces arginine, which is basic and polar, with tryptophan, which is neutral and slightly polar, at codon 1452 of the COL4A2 protein (p.Arg1452Trp). This variant is present in population databases (rs200481653, gnomAD 0.01%). This variant has not been reported in the literature in individuals affected with COL4A2-related conditions. ClinVar contains an entry for this variant (Variation ID: 2183320). Invitae Evidence Modeling of protein sequence and biophysical properties (such as structural, functional, and spatial information, amino acid conservation, physicochemical variation, residue mobility, and thermodynamic stability) indicates that this missense variant is not expected to disrupt COL4A2 protein function with a negative predictive value of 80%. In summary, the available evidence is currently insufficient to determine the role of this variant in disease. Therefore, it has been classified as a Variant of Uncertain Significance.

PreventionGenetics, part of Exact Sciences
Classification: Uncertain significance for COL4A2-related condition. Last evaluated: 2024-01-30. Review status: no assertion criteria provided. Collection method: clinical testing. Allele origin: germline. Not counted in ClinVar's aggregate classification.
Comment: The COL4A2 c.4354C>T variant is predicted to result in the amino acid substitution p.Arg1452Trp. To our knowledge, this variant has not been reported in the literature. This variant is reported in 0.012% of alleles in individuals of African descent in gnomAD. At this time, the clinical significance of this variant is uncertain due to the absence of conclusive functional and genetic evidence.

NM_001846.4(COL4A2):c.4354C>T (p.Arg1452Trp)

Genes: COL4A2 (collagen type IV alpha 2 chain; plus strand), COL4A2-AS1 (COL4A2 antisense RNA 1; minus strand). Cytogenetic location: 13q34.
Variant type: single nucleotide variant.
Coding change: c.4354C>T on transcript NM_001846.4 (MANE Select); coding-DNA position 4354, C replaced by T.
Protein change: p.Arg1452Trp; replaces arginine 1452 with tryptophan.
Molecular consequence: missense variant.
Genome position (GRCh38, 1-based): chr13:110,504,216, C>T. VCF-style: chr13-110504216-C-T. GRCh37 (hg19) VCF-style: chr13-111156563-C-T.
Other names: c.4354C>T (NM_001846.3, NM_001846.2); short protein forms R1452W.
Identifiers: ClinVar variation 2183320 (VCV002183320.8), dbSNP rs200481653, ClinGen allele CA7050502.
Genomic context (GRCh38, chr13:110,504,216, plus strand): 5'-GGGGCTCCAGGGAAAGCTGGGCCCCAAGGAAGAGGTGGTGTGTCTGCTGTTCCCGGCTTC[C>T]GGGGAGATGAAGGACCCATAGGCCACCAGGGGCCGATTGGCCAAGAAGGTGAGTGACAGT-3'
Protein context (NP_001837.2, residues 1442-1462): RGGVSAVPGF[Arg1452Trp]GDEGPIGHQG